The following is an entry in ClinVar:

NM_005105.5(RBM8A):c.-19G>T

Genes: RBM8A (RNA binding motif protein 8A; minus strand), LIX1L-AS1 (LIX1L antisense RNA 1; plus strand), LOC126805851 (MED14-independent group 3 enhancer GRCh37_chr1:145507474-145508673; plus strand). Cytogenetic location: 1q21.1.
Variant type: single nucleotide variant.
Coding change: c.-19G>T on transcript NM_005105.5 (MANE Select); 19 bases upstream of the start codon, G replaced by T.
Molecular consequence: 5 prime UTR variant. On other transcripts: non-coding transcript variant (1).
Genome position (GRCh38, 1-based): chr1:145,927,445, C>A on the plus strand (G>T on the coding strand, the complement: RBM8A is on the minus strand). VCF-style: chr1-145927445-C-A. GRCh37 (hg19) VCF-style: chr1-145507648-G-T.
Identifiers: ClinVar variation 864870 (VCV000864870.3), dbSNP rs760383043, ClinGen allele CA1055219.

ClinVar aggregate classification (germline): Uncertain significance. Review status: criteria provided, single submitter (1 of 4 stars). 2 submissions from 2 submitters: Uncertain significance (1). 1 of the submissions does not count toward it. Last evaluated 2025-01-09.

Conditions:
Radial aplasia-thrombocytopenia syndrome (TAR). Also called: Thrombocytopenia Absent Radius Syndrome; TAR syndrome. Identifiers: Orphanet 3320, MedGen C0175703, MeSH C536940, MONDO:0010121, OMIM 274000.

gnomAD v4.1: 17 of 1,605,984 alleles (0.0011%); highest among the groups gnomAD compares: Non-Finnish European, 0.0013%; no homozygotes.

Submissions (2):

Dasa
Classification: Uncertain significance. Last evaluated: 2025-01-09. Review status: criteria provided, single submitter. Criteria: DASA Assertion Criteria. Collection method: clinical testing. Allele origin: germline.
Comment: NM_005105.5(RBM8A):c.-19G>T is an intronic variant. This variant has been observed in affected individuals with RBM8A-related disorders. Functional evidence supports an impact on the gene or gene product. Also, this variant is absent from population databases. The currently available literature and clinical evidence are not sufficient to establish a definitive association between this variant and the reported condition. Therefore, this variant is classified as a variant of uncertain significance.

Centre de Biologie Pathologie Génétique, Centre Hospitalier Universitaire de Lille
Classification: Pathogenic for Radial aplasia-thrombocytopenia syndrome. Last evaluated: 2019-11-02. Review status: no assertion criteria provided. Collection method: clinical testing. Allele origin: maternal. Affected: yes. Not counted in ClinVar's aggregate classification.

Literature cited by the submitters: PubMed 16501574 (cited by Centre de Biologie Pathologie Génétique, Centre Hospitalier Universitaire de Lille); PubMed 23754559 (cited by Centre de Biologie Pathologie Génétique, Centre Hospitalier Universitaire de Lille); PubMed 32227665 (cited by Centre de Biologie Pathologie Génétique, Centre Hospitalier Universitaire de Lille).